The following is an entry in ClinVar:

ClinVar aggregate classification (germline): Likely benign (1 of 4 stars; one submission).

gnomAD v4.1: 43 of 1,208,686 alleles (0.0036%); highest among the groups gnomAD compares: Non-Finnish European, 0.0047%; no homozygotes.

Submission:

CeGaT Center for Human Genetics Tuebingen
Classification: Likely benign. Last evaluated: 2022-05-01. Review status: criteria provided, single submitter. Criteria: CeGaT Center For Human Genetics Tuebingen Variant Classification Criteria Version 2. Collection method: clinical testing. Allele origin: germline. Affected: yes. Observed: 1 variant allele.
Comment: RTL8A: BP4, BP7

NM_001078172.2(RTL8A):c.39C>G (p.Ala13=)

Gene: RTL8A (retrotransposon Gag like 8A; minus strand). Cytogenetic location: Xq26.3.
Variant type: single nucleotide variant.
Coding change: c.39C>G on transcript NM_001078172.2 (MANE Select); coding-DNA position 39, C replaced by G.
Protein change: p.Ala13=; no amino-acid change (alanine 13 retained).
Molecular consequence: synonymous variant.
Genome position (GRCh38, 1-based): chrX:135,052,070, G>C on the plus strand (C>G on the coding strand, the complement: RTL8A is on the minus strand). VCF-style: chrX-135052070-G-C. GRCh37 (hg19) VCF-style: chrX-134186100-G-C.
Other names: c.39C>G, p.Ala13= (NM_001134321.2).
Identifiers: ClinVar variation 2661483 (VCV002661483.24), dbSNP rs754925872, ClinGen allele CA10522524.
Genomic context (GRCh38, chrX:135,052,070, plus strand): 5'-AAACGTCTCGGGAAAGGGAATCGGGTTCCTCCAGCGACGCGCCGCGGGCCGGAGGGGCCC[G>C]GCCAGGAGGGCCTTCATCAGCTGCACCCGACCGTCCATCGTGCCGCGCGCGCTCCGCGGA-3'
Protein context (NP_001071640.1, residues 3-23): GRVQLMKALL[Ala13=]GPLRPAARRW